The following is an entry in ClinVar:

ClinVar aggregate classification (germline): Uncertain significance (1 of 4 stars; one submission).

Allele frequency attached by ClinVar (database versions not stated): ExAC 0.00001.

Submission:

Labcorp Genetics (formerly Invitae), Labcorp
Classification: Uncertain significance. Last evaluated: 2023-09-24. Review status: criteria provided, single submitter. Criteria: Invitae Variant Classification Sherloc (09022015). Collection method: clinical testing. Allele origin: germline.
Comment: This sequence change replaces arginine, which is basic and polar, with glycine, which is neutral and non-polar, at codon 19 of the ZNF408 protein (p.Arg19Gly). This variant is present in population databases (rs747726214, gnomAD 0.003%). This variant has not been reported in the literature in individuals affected with ZNF408-related conditions. An algorithm developed to predict the effect of missense changes on protein structure and function (PolyPhen-2) suggests that this variant is likely to be tolerated. In summary, the available evidence is currently insufficient to determine the role of this variant in disease. Therefore, it has been classified as a Variant of Uncertain Significance.

NM_024741.3(ZNF408):c.55C>G (p.Arg19Gly)

Gene: ZNF408 (zinc finger protein 408; plus strand). Cytogenetic location: 11p11.2.
Variant type: single nucleotide variant.
Coding change: c.55C>G on transcript NM_024741.3 (MANE Select); coding-DNA position 55, C replaced by G.
Protein change: p.Arg19Gly; replaces arginine 19 with glycine.
Molecular consequence: missense variant.
Genome position (GRCh38, 1-based): chr11:46,701,401, C>G. VCF-style: chr11-46701401-C-G. GRCh37 (hg19) VCF-style: chr11-46722951-C-G.
Other names: c.31C>G, p.Arg11Gly (NM_001184751.2); short protein forms R19G, R11G.
Identifiers: ClinVar variation 2818162 (VCV002818162.3), dbSNP rs747726214, ClinGen allele CA5966228.
Genomic context (GRCh38, chr11:46,701,401, plus strand): 5'-TTTCCCCACCTCCCACCTTCTTGGGTGGCTCCCTCACTGTCTTCCCTTCTCTCTGCAGCC[C>G]GCGAGCCGCGCCTGGGCCTGGACTTAGGATGGAACCCTTCCGGAGAAGGCTGTACGCAGG-3'
Protein context (NP_079017.1, residues 9-29): LEGKKALQLA[Arg19Gly]EPRLGLDLGW